The following is an entry in ClinVar:

NM_000090.4(COL3A1):c.1510-274G>T

Gene: COL3A1 (collagen type III alpha 1 chain; plus strand). Cytogenetic location: 2q32.2.
Variant type: single nucleotide variant.
Coding change: c.1510-274G>T on transcript NM_000090.4 (MANE Select); 274 bases into the intron before coding-DNA position 1510, G replaced by T.
Molecular consequence: intron variant.
Genome position (GRCh38, 1-based): chr2:188,995,418, G>T. VCF-style: chr2-188995418-G-T. GRCh37 (hg19) VCF-style: chr2-189860144-G-T.
Identifiers: ClinVar variation 673354 (VCV000673354.2), dbSNP rs12105286, ClinGen allele CA62596733.

ClinVar aggregate classification (germline): Benign. Review status: criteria provided, multiple submitters, no conflicts (2 of 4 stars). 2 submissions from 2 submitters: Benign (2). Last evaluated 2018-06-19.

Allele frequency attached by ClinVar (database versions not stated): gnomAD 0.12449 and 0.13017; TOPMed 0.13892; 1000 Genomes Project 0.15935; 1000 Genomes Project 30x 0.16318.
gnomAD v4.1: 18,815 of 152,208 alleles (12%); highest among the groups gnomAD compares: African/African-American, 37%; 2,849 homozygotes.

Submissions (2):

GeneDx
Classification: Benign. Last evaluated: 2018-06-19. Review status: criteria provided, single submitter. Criteria: GeneDx Variant Classification (06012015). Collection method: clinical testing. Allele origin: germline. Affected: yes.
Comment: This variant is considered likely benign or benign based on one or more of the following criteria: it is a conservative change, it occurs at a poorly conserved position in the protein, it is predicted to be benign by multiple in silico algorithms, and/or has population frequency not consistent with disease.

Breakthrough Genomics
Classification: Benign. Review status: criteria provided, single submitter. Criteria: ACMG Guidelines, 2015. Collection method: not provided. Allele origin: germline. Inheritance: Autosomal recessive inheritance. Affected: yes.